The following is an entry in ClinVar:

NM_181523.3(PIK3R1):c.1426-20T>G

Gene: PIK3R1 (phosphoinositide-3-kinase regulatory subunit 1; plus strand). Cytogenetic location: 5q13.1.
Variant type: single nucleotide variant.
Coding change: c.1426-20T>G on transcript NM_181523.3 (MANE Select); 20 bases into the intron before coding-DNA position 1426, T replaced by G.
Molecular consequence: intron variant.
Genome position (GRCh38, 1-based): chr5:68,294,516, T>G. VCF-style: chr5-68294516-T-G. GRCh37 (hg19) VCF-style: chr5-67590344-T-G.
Other names: c.526-20T>G (NM_181524.2); c.616-20T>G (NM_181504.4); c.337-20T>G (NM_001242466.2).
Identifiers: ClinVar variation 1319676 (VCV001319676.14), dbSNP rs201254436, ClinGen allele CA3290408.
Genomic context (GRCh38, chr5:68,294,516, plus strand): 5'-TCAAATGTCCTGGTAGTGTCTTGCAGTAAGAGATTGTTCTATGAAAGGTATGACATTATC[T>G]TTTTAAAATTATGTTGCAGGAAATCCAAATGAAAAGGACAGCTATTGAAGCATTTAATGA-3'

ClinVar aggregate classification (germline): Likely benign. Review status: reviewed by expert panel (3 of 4 stars). 4 submissions from 4 submitters: Likely benign (1). 3 of the submissions do not count toward it. Last evaluated 2026-05-19.

Conditions:
PIK3R1-related immunodeficiency and SHORT syndrome. Identifiers: MedGen CN379774, MONDO:1060136.
SHORT syndrome. Also called: LIPODYSTROPHY, PARTIAL, WITH RIEGER ANOMALY AND SHORT STATURE; PIK3R1-Related SHORT Syndrome; SHORT STATURE, HYPEREXTENSIBILITY, HERNIA, OCULAR DEPRESSION, RIEGER ANOMALY, AND TEETHING DELAY. Identifiers: Orphanet 3163, MedGen C0878684, MONDO:0010026, OMIM 269880.
Agammaglobulinemia 7, autosomal recessive (AGM7). Also called: AGAMMAGLOBULINEMIA, AUTOSOMAL RECESSIVE, DUE TO PIK3R1 DEFECT. Identifiers: MedGen C3554689, MONDO:0014083, OMIM 615214.
Immunodeficiency 36 with lymphoproliferation. Also called: ACTIVATED PI3K-DELTA SYNDROME 2; Immunodeficiency 36; Activated PI3K Delta Syndrome Type 2 (APDS2). Identifiers: Orphanet 397596, Orphanet 693681, MedGen C4014934, MONDO:0014453, OMIM 616005.

Allele frequency attached by ClinVar (database versions not stated): ESP Exome Variant Server 0.00031; ExAC 0.00042; gnomAD exomes 0.00042 and 0.00078; gnomAD 0.00056 and 0.00083; TOPMed 0.00082.
gnomAD v4.1: 1,221 of 1,583,572 alleles (0.077%); highest among the groups gnomAD compares: Non-Finnish European, 0.099%; 1 homozygote.

Submissions (5):

ClinGen Primary Immune Regulatory Disorders Variant Curation Expert Panel, ClinGen
Classification: Likely benign for PIK3R1-related immunodeficiency and SHORT syndrome. Last evaluated: 2026-05-19. Review status: reviewed by expert panel. Criteria: ClinGen AbDef ACMG Specifications PIK3R1 V1.0.0. Collection method: curation. Allele origin: germline. Inheritance: Autosomal recessive inheritance.
Comment: NM_181523.3(PIK3R1):c.1426-20T>G is an intron 11 variant that does not have a predicted impact at splicing sites, but lies within the -1 to -20 positions relative to the exon that are considered part of the donor splice site, so BP7 is not met. The splicing impact predictor SpliceAI gives a score of 0.00 for all splicing events, which is below the ClinGen Antibody Deficiencies VCEP recommended threshold of ≥0.1 and does not strongly predict an impact on splicing (BP4). This variant is present in gnomAD v4.1.0 at a GrpMax allele frequency of 0.0009284, with 1,147 alleles / 1,160,730 total alleles in the European (non-Finnish) population, which is higher than the ClinGen Antibody Deficiencies VCEP BS1 threshold of >0.000316 (BS1). The splicing impact predictor SpliceAI gives a score of 0.00 for all splicing events, which is below the ClinGen Antibody Deficiencies VCEP recommended threshold of ≥0.1 and does not strongly predict an impact on splicing (BP4). No patient harboring this variant in their germline has been found in the literature. However, a ClinVar submission of functional data from an RNA-seq experiment indicates that the presence of the variant in a cholangiosarcoma sample correlates with intron retention in some of the transcripts produced (ClinVar Accession #: SCV006638194.1). In summary, this variant meets the criteria to be classified as likely benign for autosomal dominant PIK3R1-related immunodeficiency and SHORT syndrome based on the ACMG/AMP criteria applied, as specified by the ClinGen Antibody Deficiencies VCEP: BS1 and BP4. (VCEP specifications version 1.0.0; date of approval 04/29/2026).

Labcorp Genetics (formerly Invitae), Labcorp
Classification: Benign for SHORT syndrome; Immunodeficiency 36 with lymphoproliferation; Agammaglobulinemia 7, autosomal recessive. Last evaluated: 2026-01-26. Review status: criteria provided, single submitter. Criteria: Invitae Variant Classification Sherloc (09022015). Collection method: clinical testing. Allele origin: germline. Not counted in ClinVar's aggregate classification.

Blueprint Genetics
Classification: Likely benign. Last evaluated: 2024-10-24. Review status: criteria provided, single submitter. Criteria: ACMG Guidelines, 2015. Collection method: clinical testing. Allele origin: germline. Not counted in ClinVar's aggregate classification.

Institute for Clinical Genetics, University Hospital TU Dresden, University Hospital TU Dresden
Classification: Uncertain significance. Last evaluated: 2021-11-03. Review status: criteria provided, single submitter. Criteria: ACMG Guidelines, 2015. Collection method: clinical testing. Allele origin: germline. Not counted in ClinVar's aggregate classification.

Dr. Peter K. Rogan Lab, Western University
No classification provided (evidence only). Condition: Cholangiocarcinoma. Review status: no classification provided. Collection method: in vitro. Allele origin: not applicable. Functional consequence: retained intron. Not counted in ClinVar's aggregate classification.